The following is an entry in ClinVar:

NM_021020.5(LZTS1):c.1723G>C (p.Glu575Gln)

Gene: LZTS1 (leucine zipper tumor suppressor 1; minus strand). Cytogenetic location: 8p21.3.
Variant type: single nucleotide variant.
Coding change: c.1723G>C on transcript NM_021020.5 (MANE Select); coding-DNA position 1723, G replaced by C.
Protein change: p.Glu575Gln; replaces glutamic acid 575 with glutamine.
Molecular consequence: missense variant.
Genome position (GRCh38, 1-based): chr8:20,249,790, C>G on the plus strand (G>C on the coding strand, the complement: LZTS1 is on the minus strand). VCF-style: chr8-20249790-C-G. GRCh37 (hg19) VCF-style: chr8-20107301-C-G.
Other names: c.1723G>C, p.Glu575Gln (NM_001362884.2); short protein forms E575Q.
Identifiers: ClinVar variation 1952707 (VCV001952707.5), dbSNP rs1799833073, ClinGen allele CA370475270.

ClinVar aggregate classification (germline): Uncertain significance (1 of 4 stars; one submission).

Allele frequency attached by ClinVar (database versions not stated): TOPMed below 0.00001.
gnomAD v4.1: 17 of 1,613,854 alleles (0.0011%); highest among the groups gnomAD compares: Non-Finnish European, 0.0014%; no homozygotes.

Submission:

Labcorp Genetics (formerly Invitae), Labcorp
Classification: Uncertain significance. Last evaluated: 2022-06-25. Review status: criteria provided, single submitter. Criteria: Invitae Variant Classification Sherloc (09022015). Collection method: clinical testing. Allele origin: germline.
Comment: In summary, the available evidence is currently insufficient to determine the role of this variant in disease. Therefore, it has been classified as a Variant of Uncertain Significance. Algorithms developed to predict the effect of missense changes on protein structure and function output the following: SIFT: "Tolerated"; PolyPhen-2: "Benign"; Align-GVGD: "Class C0". The glutamine amino acid residue is found in multiple mammalian species, which suggests that this missense change does not adversely affect protein function. This variant has not been reported in the literature in individuals affected with LZTS1-related conditions. This variant is not present in population databases (gnomAD no frequency). This sequence change replaces glutamic acid, which is acidic and polar, with glutamine, which is neutral and polar, at codon 575 of the LZTS1 protein (p.Glu575Gln).